The following is an entry in ClinVar:

NM_012233.3(RAB3GAP1):c.373C>T (p.Arg125Cys)

Gene: RAB3GAP1 (RAB3 GTPase activating protein catalytic subunit 1; plus strand). Cytogenetic location: 2q21.3.
Variant type: single nucleotide variant.
Coding change: c.373C>T on transcript NM_012233.3 (MANE Select); coding-DNA position 373, C replaced by T.
Protein change: p.Arg125Cys; replaces arginine 125 with cysteine.
Molecular consequence: missense variant.
Genome position (GRCh38, 1-based): chr2:135,113,161, C>T. VCF-style: chr2-135113161-C-T. GRCh37 (hg19) VCF-style: chr2-135870731-C-T.
Other names: c.373C>T, p.Arg125Cys (NM_001172435.2); short protein forms R125C.
Identifiers: ClinVar variation 423371 (VCV000423371.4), dbSNP rs200250746, ClinGen allele CA1884514.

ClinVar aggregate classification (germline): Uncertain significance. Review status: criteria provided, multiple submitters, no conflicts (2 of 4 stars). 2 submissions from 2 submitters: Uncertain significance (2). Last evaluated 2023-06-23.

Conditions:
Inborn genetic diseases. Identifiers: MedGen C0950123, MeSH D030342.

Allele frequency attached by ClinVar (database versions not stated): TOPMed 0.00003; gnomAD exomes 0.00005 and 0.00012; gnomAD 0.00007 and 0.00009; ExAC 0.00014.
gnomAD v4.1: 88 of 1,614,004 alleles (0.0055%); highest among the groups gnomAD compares: Admixed American, 0.015%; no homozygotes.

Submissions (2):

Ambry Genetics
Classification: Uncertain significance for Inborn genetic diseases. Last evaluated: 2023-06-23. Review status: criteria provided, single submitter. Criteria: Ambry Variant Classification Scheme 2023. Collection method: clinical testing. Allele origin: germline.

GeneDx
Classification: Uncertain significance. Last evaluated: 2017-02-07. Review status: criteria provided, single submitter. Criteria: GeneDx Variant Classification (06012015). Collection method: clinical testing. Allele origin: germline. Affected: yes.
Comment: A variant of uncertain significance has been identified in the RAB3GAP1 gene. The R125C variant has not been published as a pathogenic variant, nor has it been reported as a benign variant to our knowledge. The R125C variant is not observed at a significant frequency in large population cohorts (Lek et al., 2016; 1000 Genomes Consortium et al., 2015; Exome Variant Server). The R125C variant is a non-conservative amino acid substitution, which is likely to impact secondary protein structure as these residues differ in polarity, charge, size and/or other properties. This substitution occurs at a position that is conserved in mammals and in silico analysis predicts this variant is probably damaging to the protein structure/function. However, missense variants in nearby residues have not been reported in Human Gene Mutation Database in association with RAB3GAP1-related disoders (Stenson et al., 2014). Therefore, based on the currently available information, it is unclear whether this variant is a pathogenic variant or a rare benign variant.